The following is an entry in ClinVar:

ClinVar aggregate classification (germline): Conflicting classifications of pathogenicity. Review status: criteria provided, conflicting classifications (1 of 4 stars). 3 submissions from 3 submitters: Uncertain significance (2); Likely benign (1). Last evaluated 2026-01-19.

Conditions:
Autosomal recessive limb-girdle muscular dystrophy type 2J (LGMDR10). Also called: Limb-girdle muscular dystrophy, type 2J; MUSCULAR DYSTROPHY, LIMB-GIRDLE, AUTOSOMAL RECESSIVE 10. Identifiers: Orphanet 140922, MedGen C1837342, MONDO:0012127, OMIM 608807.
Dilated cardiomyopathy 1G (CMD1G). Identifiers: Orphanet 154, MedGen C1858763, MONDO:0011400, OMIM 604145.
Hypertrophic cardiomyopathy 9. Also called: Familial hypertrophic cardiomyopathy 9. Identifiers: MedGen C1861065, MONDO:0013412, OMIM 613765.
Early-onset myopathy with fatal cardiomyopathy (CMYO5). Also called: Salih Myopathy; CONGENITAL MYOPATHY 5 WITH CARDIOMYOPATHY. Identifiers: Orphanet 289377, MedGen C2673677, MONDO:0012714, OMIM 611705. Disease mechanism: loss of function.
Myopathy, myofibrillar, 9, with early respiratory failure (MFM9). Also called: Myopathy, distal, with early respiratory failure, autosomal dominant; EDSTROM MYOPATHY; MYOPATHY, PROXIMAL, WITH EARLY RESPIRATORY MUSCLE INVOLVEMENT; Hereditary myopathy with early respiratory failure. Identifiers: Orphanet 178464, Orphanet 34521, MedGen C1863599, MONDO:0011362, OMIM 603689.
Tibial muscular dystrophy (TMD). Also called: Udd Distal Myopathy – Tibial Muscular Dystrophy; UDD MYOPATHY; Tibial muscular dystrophy, tardive. Identifiers: Orphanet 609, MedGen C1838244, MONDO:0010870, OMIM 600334.

Allele frequency attached by ClinVar (database versions not stated): gnomAD 0.00005 and 0.00006; TOPMed 0.00007; 1000 Genomes Project 30x 0.00016; 1000 Genomes Project 0.00020.
gnomAD v4.1: 50 of 1,613,738 alleles (0.0031%); highest among the groups gnomAD compares: East Asian, 0.092%; no homozygotes.

Submissions (3):

Labcorp Genetics (formerly Invitae), Labcorp
Classification: Likely benign for Dilated cardiomyopathy 1G; Autosomal recessive limb-girdle muscular dystrophy type 2J. Last evaluated: 2026-01-19. Review status: criteria provided, single submitter. Criteria: Invitae Variant Classification Sherloc (09022015). Collection method: clinical testing. Allele origin: germline.

Eurofins Ntd Llc (ga)
Classification: Uncertain significance. Last evaluated: 2014-11-06. Review status: criteria provided, single submitter. Criteria: EGL Classification Definitions 2015. Collection method: clinical testing. Allele origin: germline. Observed: 3 variant alleles, 3 heterozygotes.

Juno Genomics, Hangzhou Juno Genomics, Inc
Classification: Uncertain significance for Early-onset myopathy with fatal cardiomyopathy; Dilated cardiomyopathy 1G; Hypertrophic cardiomyopathy 9; Autosomal recessive limb-girdle muscular dystrophy type 2J; Myopathy, myofibrillar, 9, with early respiratory failure; Tibial muscular dystrophy. Review status: criteria provided, single submitter. Criteria: ACMG Guidelines, 2015. Collection method: clinical testing. Allele origin: germline.
Comment: Absent from controls (or at extremely low frequency if recessive) in Genome Aggregation Database.;Missense variant in a gene that has a low rate of benign missense variation.

NM_001267550.2(TTN):c.88106G>T (p.Gly29369Val)

Genes: TTN (titin; minus strand), TTN-AS1 (TTN antisense RNA 1; plus strand). Cytogenetic location: 2q31.2.
Variant type: single nucleotide variant.
Coding change: c.88106G>T on transcript NM_001267550.2 (MANE Select); coding-DNA position 88106, G replaced by T.
Protein change: p.Gly29369Val; replaces glycine 29369 with valine.
Molecular consequence: missense variant.
Genome position (GRCh38, 1-based): chr2:178,557,048, C>A on the plus strand (G>T on the coding strand, the complement: TTN is on the minus strand). VCF-style: chr2-178557048-C-A. GRCh37 (hg19) VCF-style: chr2-179421775-C-A.
Other names: c.83183G>T, p.Gly27728Val (NM_001256850.1); c.60911G>T, p.Gly20304Val (NM_003319.4); c.80402G>T, p.Gly26801Val (NM_133378.4); c.61286G>T, p.Gly20429Val (NM_133432.3); c.61487G>T, p.Gly20496Val (NM_133437.4); short protein forms G29369V, G26801V, G20304V, G27728V, G20429V, G20496V.
Identifiers: ClinVar variation 196096 (VCV000196096.17), dbSNP rs55898359, ClinGen allele CA242898.